The following is an entry in ClinVar:

NM_000548.5(TSC2):c.3785A>G (p.Lys1262Arg)

Gene: TSC2 (TSC complex subunit 2; plus strand). Cytogenetic location: 16p13.3.
Variant type: single nucleotide variant.
Coding change: c.3785A>G on transcript NM_000548.5 (MANE Select); coding-DNA position 3785, A replaced by G.
Protein change: p.Lys1262Arg; replaces lysine 1262 with arginine.
Molecular consequence: missense variant.
Genome position (GRCh38, 1-based): chr16:2,081,769, A>G. VCF-style: chr16-2081769-A-G. GRCh37 (hg19) VCF-style: chr16-2131770-A-G.
Other names: c.3653A>G, p.Lys1218Arg (NM_001077183.3, NM_001370404.1); c.3785A>G, p.Lys1262Arg (NM_001114382.3); c.3545A>G, p.Lys1182Arg (NM_001318827.2); c.3509A>G, p.Lys1170Arg (NM_001318829.2); c.3053A>G, p.Lys1018Arg (NM_001318831.2); c.3686A>G, p.Lys1229Arg (NM_001318832.2); c.3656A>G, p.Lys1219Arg (NM_001363528.2, NM_001370405.1, NM_021055.3); short protein forms K1262R, K1218R, K1219R, K1229R, K1170R, K1018R, K1182R.
Identifiers: ClinVar variation 468039 (VCV000468039.12), dbSNP rs765255206, ClinGen allele CA048406.

ClinVar aggregate classification (germline): Conflicting classifications of pathogenicity. Review status: criteria provided, conflicting classifications (1 of 4 stars). 3 submissions from 3 submitters: Uncertain significance (2); Benign (1). Last evaluated 2025-09-05.

Conditions:
Hereditary cancer-predisposing syndrome. Also called: Hereditary neoplastic syndrome; Neoplastic Syndromes, Hereditary; Tumor predisposition; Hereditary Cancer Syndrome. Identifiers: Orphanet 140162, MedGen C0027672, MeSH D009386, MONDO:0015356.
Tuberous sclerosis 2 (TSC2). Identifiers: Orphanet 805, MedGen C1860707, MONDO:0013199, OMIM 613254.
Tuberous sclerosis syndrome (TSC). Also called: Tuberous Sclerosis Complex; Tuberous sclerosis. Identifiers: Orphanet 805, MedGen C0041341, MONDO:0001734.

Allele frequency attached by ClinVar (database versions not stated): gnomAD exomes below 0.00001; ExAC 0.00001.
gnomAD v4.1: 1 of 1,612,698 alleles (0.000062%); highest among the groups gnomAD compares: Non-Finnish European, 0.000085%; no homozygotes.

Submissions (3):

Labcorp Genetics (formerly Invitae), Labcorp
Classification: Benign for Tuberous sclerosis 2. Last evaluated: 2025-09-05. Review status: criteria provided, single submitter. Criteria: Invitae Variant Classification Sherloc (09022015). Collection method: clinical testing. Allele origin: germline.

Color Diagnostics, LLC DBA Color Health
Classification: Uncertain significance for Tuberous sclerosis syndrome. Last evaluated: 2025-06-30. Review status: criteria provided, single submitter. Criteria: ACMG Guidelines, 2015. Collection method: clinical testing. Allele origin: germline.
Comment: This missense variant replaces lysine with arginine at codon 1262 of the TSC2 protein. Computational prediction suggests that this variant may not impact protein structure and function. To our knowledge, functional studies have not been reported for this variant. This variant has not been reported in individuals affected with TSC2-related disorders in the literature. This variant has been identified in 1/249942 chromosomes in the general population by the Genome Aggregation Database (gnomAD). The available evidence is insufficient to determine the role of this variant in disease conclusively. Therefore, this variant is classified as a Variant of Uncertain Significance.

Ambry Genetics
Classification: Uncertain significance for Hereditary cancer-predisposing syndrome. Last evaluated: 2024-03-01. Review status: criteria provided, single submitter. Criteria: Ambry Variant Classification Scheme 2023. Collection method: clinical testing. Allele origin: germline.
Comment: The p.K1262R variant (also known as c.3785A>G), located in coding exon 30 of the TSC2 gene, results from an A to G substitution at nucleotide position 3785. The lysine at codon 1262 is replaced by arginine, an amino acid with highly similar properties. This amino acid position is highly conserved in available vertebrate species. In addition, the in silico prediction for this alteration is inconclusive. Since supporting evidence is limited at this time, the clinical significance of this alteration remains unclear.